The following is an entry in ClinVar:

NM_002241.5(KCNJ10):c.*2596A>G

Gene: KCNJ10 (potassium inwardly rectifying channel subfamily J member 10; minus strand). Cytogenetic location: 1q23.2.
Variant type: single nucleotide variant.
Coding change: c.*2596A>G on transcript NM_002241.5 (MANE Select); 2596 bases downstream of the stop codon, A replaced by G.
Molecular consequence: 3 prime UTR variant.
Genome position (GRCh38, 1-based): chr1:160,038,797, T>C on the plus strand (A>G on the coding strand, the complement: KCNJ10 is on the minus strand). VCF-style: chr1-160038797-T-C. GRCh37 (hg19) VCF-style: chr1-160008587-T-C.
Identifiers: ClinVar variation 293082 (VCV000293082.34), dbSNP rs116418256, ClinGen allele CA10608463.
Genomic context (GRCh38, chr1:160,038,797, plus strand): 5'-CTAATTTCCCAAGCCTCCCCACTTCTTGTTTGCGAGCCTAAGCAAGACTCAAGAGTTTCA[T>C]TGATTTCACTAGGTCCCTCAGCATCATTTCTTTCTCATCTTCTCACCCCAGGTATCTTCC-3'

ClinVar aggregate classification (germline): Conflicting classifications of pathogenicity. Review status: criteria provided, conflicting classifications (1 of 4 stars). 3 submissions from 2 submitters: Uncertain significance (1); Likely benign (2). Last evaluated 2023-06-01.

Conditions:
EAST syndrome (SESAMES). Also called: SEIZURES, SENSORINEURAL DEAFNESS, ATAXIA, IMPAIRED INTELLECTUAL DEVELOPMENT, AND ELECTROLYTE IMBALANCE. Identifiers: Orphanet 199343, MedGen C2748572, MONDO:0013005, OMIM 612780.
Autosomal recessive nonsyndromic hearing loss 4 (DFNB4). Also called: FOXI1-Related Pendred Syndrome; KCNJ10-Related Pendred Syndrome; DEAFNESS, AUTOSOMAL RECESSIVE 4, WITH ENLARGED VESTIBULAR AQUEDUCT, DIGENIC; Nonsyndromic enlarged vestibular aqueduct (NSEVA); Deafness, autosomal recessive 4, with enlarged vestibular aqueduct; Deafness, autosomal recessive 4. Identifiers: Orphanet 90636, MedGen C3538946, MONDO:0010933, OMIM 600791.

Allele frequency attached by ClinVar (database versions not stated): 1000 Genomes Project 0.00319; 1000 Genomes Project 30x 0.00328; TOPMed 0.00465; gnomAD 0.00550 and 0.00551.

Submissions (3):

CeGaT Center for Human Genetics Tuebingen
Classification: Likely benign. Last evaluated: 2023-06-01. Review status: criteria provided, single submitter. Criteria: CeGaT Center For Human Genetics Tuebingen Variant Classification Criteria Version 2. Collection method: clinical testing. Allele origin: germline. Affected: yes. Observed: 10 variant alleles.
Comment: KCNJ10: BS2

Illumina Laboratory Services, Illumina
Classification: Likely benign for EAST syndrome. Last evaluated: 2018-01-13. Review status: criteria provided, single submitter. Criteria: ICSL Variant Classification Criteria 13 December 2019. Collection method: clinical testing. Allele origin: germline.
Comment: This variant was observed in the ICSL laboratory as part of a predisposition screen in an ostensibly healthy population. It had not been previously curated by ICSL or reported in the Human Gene Mutation Database (HGMD: prior to June 1st, 2018), and was therefore a candidate for classification through an automated scoring system. Utilizing variant allele frequency, disease prevalence and penetrance estimates, and inheritance mode, an automated score was calculated to assess if this variant is too frequent to cause the disease. Based on the score and internal cut-off values, a variant classified as likely benign is not then subjected to further curation. The score for this variant resulted in a classification of likely benign for this disease.

Illumina Laboratory Services, Illumina
Classification: Uncertain significance for Autosomal recessive nonsyndromic hearing loss 4. Last evaluated: 2018-01-13. Review status: criteria provided, single submitter. Criteria: ICSL Variant Classification Criteria 13 December 2019. Collection method: clinical testing. Allele origin: germline.